The following is an entry in ClinVar:

NM_173600.2(MUC19):c.23136G>A (p.Val7712=)

Gene: MUC19 (mucin 19, oligomeric (gene/pseudogene); plus strand). Cytogenetic location: 12q12.
Variant type: single nucleotide variant.
Coding change: c.23136G>A on transcript NM_173600.2; coding-DNA position 23136, G replaced by A.
Protein change: p.Val7712=; no amino-acid change (valine 7712 retained).
Molecular consequence: synonymous variant.
Genome position (GRCh38, 1-based): chr12:40,542,796, G>A. VCF-style: chr12-40542796-G-A. GRCh37 (hg19) VCF-style: chr12-40936598-G-A.
Identifiers: ClinVar variation 2642886 (VCV002642886.24), dbSNP rs1170775175, ClinGen allele CA604511830.

ClinVar aggregate classification (germline): Likely benign (1 of 4 stars; one submission).

Allele frequency attached by ClinVar (database versions not stated): gnomAD 0.00001; TOPMed 0.00002.

Submission:

CeGaT Center for Human Genetics Tuebingen
Classification: Likely benign. Last evaluated: 2022-10-01. Review status: criteria provided, single submitter. Criteria: CeGaT Center For Human Genetics Tuebingen Variant Classification Criteria Version 2. Collection method: clinical testing. Allele origin: germline. Affected: yes. Observed: 1 variant allele.
Comment: MUC19: BP4, BP7